The following is an entry in ClinVar:

ClinVar aggregate classification (germline): Uncertain significance (1 of 4 stars; one submission).

Conditions:
PLCE1-related disorder. Also called: PLCE1-related condition.

Allele frequency attached by ClinVar (database versions not stated): TOPMed below 0.00001; gnomAD exomes 0.00001.
gnomAD v4.1: 13 of 1,556,560 alleles (0.00084%); highest among the groups gnomAD compares: Non-Finnish European, 0.0012%; no homozygotes.

Submission:

PreventionGenetics, part of Exact Sciences
Classification: Uncertain significance for PLCE1-related condition. Last evaluated: 2023-05-02. Review status: criteria provided, single submitter. Criteria: ACMG Guidelines, 2015. Collection method: clinical testing. Allele origin: germline.
Comment: The PLCE1 c.5032C>A variant is predicted to result in the amino acid substitution p.Pro1678Thr. To our knowledge, this variant has not been reported in the literature or in a large population database, indicating this variant is rare. At this time, the clinical significance of this variant is uncertain due to the absence of conclusive functional and genetic evidence.

NM_016341.4(PLCE1):c.5032C>A (p.Pro1678Thr)

Genes: PLCE1 (phospholipase C epsilon 1; plus strand), PLCE1-AS1 (PLCE1 antisense RNA 1; minus strand). Cytogenetic location: 10q23.33.
Variant type: single nucleotide variant.
Coding change: c.5032C>A on transcript NM_016341.4 (MANE Select); coding-DNA position 5032, C replaced by A.
Protein change: p.Pro1678Thr; replaces proline 1678 with threonine.
Molecular consequence: missense variant.
Genome position (GRCh38, 1-based): chr10:94,284,962, C>A. VCF-style: chr10-94284962-C-A. GRCh37 (hg19) VCF-style: chr10-96044719-C-A.
Other names: c.4108C>A, p.Pro1370Thr (NM_001165979.2); c.4984C>A, p.Pro1662Thr (NM_001288989.2); short protein forms P1370T, P1662T, P1678T.
Identifiers: ClinVar variation 2632883 (VCV002632883.1), dbSNP rs1243136941, ClinGen allele CA377653083.